The following is an entry in ClinVar:

NM_001382241.1(TNPO2):c.947T>C (p.Leu316Pro)

Gene: TNPO2 (transportin 2; minus strand). Cytogenetic location: 19p13.13.
Variant type: single nucleotide variant.
Coding change: c.947T>C on transcript NM_001382241.1 (MANE Select); coding-DNA position 947, T replaced by C.
Protein change: p.Leu316Pro; replaces leucine 316 with proline.
Molecular consequence: missense variant. On other transcripts: non-coding transcript variant (5).
Genome position (GRCh38, 1-based): chr19:12,711,557, A>G on the plus strand (T>C on the coding strand, the complement: TNPO2 is on the minus strand). VCF-style: chr19-12711557-A-G. GRCh37 (hg19) VCF-style: chr19-12822371-A-G.
Other names: c.947T>C, p.Leu316Pro (NM_001136195.2, NM_001136196.2, NM_001382236.1 and 7 more transcripts); short protein forms L316P.
Identifiers: ClinVar variation 4071805 (VCV004071805.1).

ClinVar aggregate classification (germline): Uncertain significance (1 of 4 stars; one submission).

Submission:

GeneDx
Classification: Uncertain significance. Last evaluated: 2025-01-23. Review status: criteria provided, single submitter. Criteria: GeneDx Variant Classification Process June 2021. Collection method: clinical testing. Allele origin: germline. Affected: yes.
Comment: Not observed at significant frequency in large population cohorts (gnomAD); In silico analysis supports that this missense variant has a deleterious effect on protein structure/function; Has not been previously published as pathogenic or benign to our knowledge